The following is an entry in ClinVar:

ClinVar aggregate classification (germline): Conflicting classifications of pathogenicity. Review status: criteria provided, conflicting classifications (1 of 4 stars). 6 submissions from 6 submitters: Uncertain significance (3); Likely benign (2). 1 of the submissions does not count toward it. Last evaluated 2025-02-27.

Conditions:
CERKL-related disorder. Also called: CERKL-related condition.
Retinitis pigmentosa (RP). Identifiers: Orphanet 791, MedGen C0035334, MeSH D012174, MONDO:0019200, OMIM 268000. Inheritance: Autosomal dominant, autosomal recessive and X linked inheritance.
Retinal dystrophy. Also called: Inherited retinal dystrophy. Identifiers: HP:0000556, Orphanet 71862, MedGen C0854723, MeSH D058499, MONDO:0019118.

Allele frequency attached by ClinVar (database versions not stated): gnomAD 0.00001 and 0.00006; TOPMed 0.00002; gnomAD exomes 0.00013 and 0.00026; ExAC 0.00050.
gnomAD v4.1: 200 of 1,579,298 alleles (0.013%); highest among the groups gnomAD compares: South Asian, 0.19%; 1 homozygote.

Submissions (6):

PreventionGenetics, part of Exact Sciences
Classification: Likely benign for CERKL-related condition. Last evaluated: 2025-02-27. Review status: criteria provided, single submitter. Criteria: ACMG Guidelines, 2015. Collection method: clinical testing. Allele origin: germline.
Comment: This variant is classified as likely benign based on ACMG/AMP sequence variant interpretation guidelines (Richards et al. 2015 PMID: 25741868, with internal and published modifications).

Blueprint Genetics
Classification: Likely benign. Last evaluated: 2024-09-13. Review status: criteria provided, single submitter. Criteria: ACMG Guidelines, 2015. Collection method: clinical testing. Allele origin: germline.

Labcorp Genetics (formerly Invitae), Labcorp
Classification: Uncertain significance. Last evaluated: 2022-07-12. Review status: criteria provided, single submitter. Criteria: Invitae Variant Classification Sherloc (09022015). Collection method: clinical testing. Allele origin: germline.
Comment: This sequence change replaces arginine, which is basic and polar, with leucine, which is neutral and non-polar, at codon 6 of the CERKL protein (p.Arg6Leu). This variant is present in population databases (rs758592149, gnomAD 0.2%). This variant has not been reported in the literature in individuals affected with CERKL-related conditions. ClinVar contains an entry for this variant (Variation ID: 333015). Algorithms developed to predict the effect of missense changes on protein structure and function (SIFT, PolyPhen-2, Align-GVGD) all suggest that this variant is likely to be tolerated. In summary, the available evidence is currently insufficient to determine the role of this variant in disease. Therefore, it has been classified as a Variant of Uncertain Significance.

Illumina Laboratory Services, Illumina
Classification: Uncertain significance for Retinitis pigmentosa. Last evaluated: 2018-01-13. Review status: criteria provided, single submitter. Criteria: ICSL Variant Classification Criteria 13 December 2019. Collection method: clinical testing. Allele origin: germline.

Breakthrough Genomics
Classification: Uncertain significance. Review status: criteria provided, single submitter. Criteria: ACMG Guidelines, 2015. Collection method: not provided. Allele origin: germline. Inheritance: Autosomal recessive inheritance. Affected: yes.

Institute of Human Genetics, Univ. Regensburg, Univ. Regensburg
Classification: Uncertain significance for Retinal dystrophy. Last evaluated: 2020-01-01. Review status: no assertion criteria provided. Criteria: ACMG Guidelines, 2015. Collection method: clinical testing. Allele origin: germline. Affected: yes. Not counted in ClinVar's aggregate classification.

NM_201548.5(CERKL):c.17G>T (p.Arg6Leu)

Genes: CERKL (CERK like autophagy regulator; minus strand), LOC129935215 (ATAC-STARR-seq lymphoblastoid silent region 12158; plus strand). Cytogenetic location: 2q31.3.
Variant type: single nucleotide variant.
Coding change: c.17G>T on transcript NM_201548.5 (MANE Select); coding-DNA position 17, G replaced by T.
Protein change: p.Arg6Leu; replaces arginine 6 with leucine.
Molecular consequence: missense variant. On other transcripts: non-coding transcript variant (2).
Genome position (GRCh38, 1-based): chr2:181,656,990, C>A on the plus strand (G>T on the coding strand, the complement: CERKL is on the minus strand). VCF-style: chr2-181656990-C-A. GRCh37 (hg19) VCF-style: chr2-182521717-C-A.
Other names: c.17G>T, p.Arg6Leu (NM_001030311.3, NM_001030312.3, NM_001030313.3 and 1 more transcripts); c.17G>T (NM_001030311.2); short protein forms R6L.
Identifiers: ClinVar variation 333015 (VCV000333015.10), dbSNP rs758592149, ClinGen allele CA2010975.